The following is an entry in ClinVar:

ClinVar aggregate classification (germline): Conflicting classifications of pathogenicity. Review status: criteria provided, conflicting classifications (1 of 4 stars). 2 submissions from 2 submitters: Uncertain significance (1); Likely benign (1). Last evaluated 2025-07-23.

Conditions:
Hereditary cancer-predisposing syndrome. Also called: Hereditary neoplastic syndrome; Tumor predisposition; Neoplastic Syndromes, Hereditary; Hereditary Cancer Syndrome. Identifiers: Orphanet 140162, MedGen C0027672, MeSH D009386, MONDO:0015356.

Submissions (2):

Ambry Genetics
Classification: Uncertain significance for Hereditary cancer-predisposing syndrome. Last evaluated: 2025-07-23. Review status: criteria provided, single submitter. Criteria: Ambry Variant Classification Scheme 2023. Collection method: clinical testing. Allele origin: germline.
Comment: The c.2085-3dupT intronic variant, results from a duplication of two nucleotides at nucleotide position 2085 before intron 14 of the MSH3 gene. This nucleotide position is well conserved in available vertebrate species. In silico splice site analysis predicts that this alteration will not have any significant effect on splicing. Based on the available evidence, the clinical significance of this variant remains unclear.

Labcorp Genetics (formerly Invitae), Labcorp
Classification: Likely benign. Last evaluated: 2022-09-28. Review status: criteria provided, single submitter. Criteria: Invitae Variant Classification Sherloc (09022015). Collection method: clinical testing. Allele origin: germline.

NM_002439.5(MSH3):c.2085-3dup

Gene: MSH3 (mutS homolog 3; plus strand). Cytogenetic location: 5q14.1.
Variant type: Duplication.
Coding change: c.2085-3dup on transcript NM_002439.5 (MANE Select); 3 bases into the intron before coding-DNA position 2085, one base duplicated (T; older notation c.2085-3dupT).
Molecular consequence: intron variant.
Genome position (GRCh38, 1-based): chr5:80,768,832, T duplicated; the last of 6 consecutive T bases (chr5:80,768,827-80,768,832); duplicating any one gives the same sequence. VCF-style (leftmost placement, unchanged base first): chr5-80768826-A-AT. GRCh37 (hg19) VCF-style: chr5-80064645-A-AT.
Other names: c.2085-3dupT (NM_002439.4, NM_002439.3).
Identifiers: ClinVar variation 656266 (VCV000656266.9), dbSNP rs1580034745, ClinGen allele CA915943401.